The following is an entry in ClinVar:

ClinVar aggregate classification (germline): Uncertain significance (1 of 4 stars; one submission).

gnomAD v4.1: 1 of 1,566,350 alleles (0.000064%); highest among the groups gnomAD compares: Admixed American, 0.0018%; no homozygotes.

Submission:

Labcorp Genetics (formerly Invitae), Labcorp
Classification: Uncertain significance. Last evaluated: 2024-10-23. Review status: criteria provided, single submitter. Criteria: Invitae Variant Classification Sherloc (09022015). Collection method: clinical testing. Allele origin: germline.
Comment: This sequence change replaces serine, which is neutral and polar, with glycine, which is neutral and non-polar, at codon 22 of the ARIH1 protein (p.Ser22Gly). The frequency data for this variant in the population databases is considered unreliable, as metrics indicate poor data quality at this position in the gnomAD database. This variant has not been reported in the literature in individuals affected with ARIH1-related conditions. Experimental studies and prediction algorithms are not available or were not evaluated, and the functional significance of this variant is currently unknown. In summary, the available evidence is currently insufficient to determine the role of this variant in disease. Therefore, it has been classified as a Variant of Uncertain Significance.

NM_005744.5(ARIH1):c.64A>G (p.Ser22Gly)

Gene: ARIH1 (ariadne RBR E3 ubiquitin protein ligase 1; plus strand). Cytogenetic location: 15q24.1.
Variant type: single nucleotide variant.
Coding change: c.64A>G on transcript NM_005744.5 (MANE Select); coding-DNA position 64, A replaced by G.
Protein change: p.Ser22Gly; replaces serine 22 with glycine.
Molecular consequence: missense variant.
Genome position (GRCh38, 1-based): chr15:72,474,703, A>G. VCF-style: chr15-72474703-A-G. GRCh37 (hg19) VCF-style: chr15-72767044-A-G.
Other names: short protein forms S22G.
Identifiers: ClinVar variation 3675481 (VCV003675481.2).